The following is an entry in ClinVar:

NM_001401501.2(MUC16):c.39393-9C>T

Gene: MUC16 (mucin 16, cell surface associated; minus strand). Cytogenetic location: 19p13.2.
Variant type: single nucleotide variant.
Coding change: c.39393-9C>T on transcript NM_001401501.2 (MANE Select); 9 bases into the intron before coding-DNA position 39393, C replaced by T.
Molecular consequence: intron variant.
Genome position (GRCh38, 1-based): chr19:8,897,678, G>A on the plus strand (C>T on the coding strand, the complement: MUC16 is on the minus strand). VCF-style: chr19-8897678-G-A. GRCh37 (hg19) VCF-style: chr19-9008354-G-A.
Other names: c.39819-9C>T (NM_001414686.1); c.39273-9C>T (NM_001414687.1); c.39207-9C>T (NM_024690.2).
Identifiers: ClinVar variation 3038821 (VCV003038821.2), dbSNP rs796493500, ClinGen allele CA305080104.
Genomic context (GRCh38, chr19:8,897,678, plus strand): 5'-GTGGTGGGTGCAGATGGCATCCACTCCAGTGGCTGCCCCATCCTTCTCAGACCTGGGGAA[G>A]GTAGGTGGGGAGAATGACAATGAAAAGATTACCTAGGATGGGTCTTGAGATTGCTGAGAG-3'

ClinVar aggregate classification (germline): Benign (0 of 4 stars; one submission).

Conditions:
MUC16-related disorder. Also called: MUC16-related condition.

Allele frequency attached by ClinVar (database versions not stated): 1000 Genomes Project 30x 0.32214.

Submission:

PreventionGenetics, part of Exact Sciences
Classification: Benign for MUC16-related condition. Last evaluated: 2019-03-21. Review status: no assertion criteria provided. Collection method: clinical testing. Allele origin: germline.
Comment: This variant is classified as benign based on ACMG/AMP sequence variant interpretation guidelines (Richards et al. 2015 PMID: 25741868, with internal and published modifications).